The following is an entry in ClinVar:

ClinVar aggregate classification (germline): Uncertain significance (1 of 4 stars; one submission).

Allele frequency attached by ClinVar (database versions not stated): gnomAD exomes below 0.00001; ExAC 0.00001.
gnomAD v4.1: 1 of 1,612,608 alleles (0.000062%); highest among the groups gnomAD compares: Non-Finnish European, 0.000085%; no homozygotes.

Submission:

GeneDx
Classification: Uncertain significance. Last evaluated: 2022-06-10. Review status: criteria provided, single submitter. Criteria: GeneDx Variant Classification Process June 2021. Collection method: clinical testing. Allele origin: germline. Affected: yes.
Comment: In silico analysis supports that this missense variant has a deleterious effect on protein structure/function; Has not been previously published as pathogenic or benign to our knowledge

NM_005465.7(AKT3):c.839A>G (p.Asp280Gly)

Gene: AKT3 (AKT serine/threonine kinase 3; minus strand). Cytogenetic location: 1q44.
Variant type: single nucleotide variant.
Coding change: c.839A>G on transcript NM_005465.7 (MANE Select); coding-DNA position 839, A replaced by G.
Protein change: p.Asp280Gly; replaces aspartic acid 280 with glycine.
Molecular consequence: missense variant.
Genome position (GRCh38, 1-based): chr1:243,563,829, T>C on the plus strand (A>G on the coding strand, the complement: AKT3 is on the minus strand). VCF-style: chr1-243563829-T-C. GRCh37 (hg19) VCF-style: chr1-243727131-T-C.
Other names: c.839A>G, p.Asp280Gly (NM_001206729.2, NM_001370074.1, NM_181690.2); short protein forms D280G.
Identifiers: ClinVar variation 1803609 (VCV001803609.1), dbSNP rs752876589, ClinGen allele CA1484003.
Genomic context (GRCh38, chr1:243,563,829, plus strand): 5'-GCATCTGTGATCCCTTCTTTGCAAAGTCCAAAATCTGTAATTTTTATGTGGCCATCTTTG[T>C]CCAGCATTAGATTCTCCAACTGTGTATTAAGAAAAATGACATAATTTGTTCTATAGTCTT-3'
Protein context (NP_005456.1, residues 270-290): RDLKLENLML[Asp280Gly]KDGHIKITDF